The following is an entry in ClinVar:

NM_001384732.1(CPLANE1):c.3943_3948del (p.Ser1315_Cys1316del)

Gene: CPLANE1 (ciliogenesis and planar polarity effector complex subunit 1; minus strand). Cytogenetic location: 5p13.2.
Variant type: Deletion.
Coding change: c.3943_3948del on transcript NM_001384732.1 (MANE Select); coding-DNA positions 3943 to 3948, 6 bases deleted (TCTTGT; older notation c.3943_3948delTCTTGT).
Protein change: p.Ser1315_Cys1316del.
Molecular consequence: inframe deletion.
Genome position (GRCh38, 1-based): chr5:37,187,546-37,187,551, ACAAGA deleted on the plus strand (TCTTGT on the coding strand, the reverse complement: CPLANE1 is on the minus strand); deleting any 6 consecutive bases within chr5:37,187,546-37,187,552 gives the same sequence; the c. name uses the placement nearest the transcript's 3' end. VCF-style (leftmost placement, unchanged base first): chr5-37187545-TACAAGA-T. GRCh37 (hg19) VCF-style: chr5-37187647-TACAAGA-T.
Other names: c.3943_3948del, p.Ser1315_Cys1316del (NM_023073.4).
Identifiers: ClinVar variation 2004445 (VCV002004445.4), dbSNP rs2547897246, ClinGen allele CA2578291239.

ClinVar aggregate classification (germline): Uncertain significance (1 of 4 stars; one submission).

Submission:

Labcorp Genetics (formerly Invitae), Labcorp
Classification: Uncertain significance. Last evaluated: 2025-09-02. Review status: criteria provided, single submitter. Criteria: Invitae Variant Classification Sherloc (09022015). Collection method: clinical testing. Allele origin: germline.
Comment: This variant, c.3943_3948del, results in the deletion of 2 amino acid(s) of the CPLANE1 protein (p.Ser1315_Cys1316del), but otherwise preserves the integrity of the reading frame. This variant is not present in population databases (gnomAD no frequency). This variant has not been reported in the literature in individuals affected with CPLANE1-related conditions. ClinVar contains an entry for this variant (Variation ID: 2004445). Experimental studies and prediction algorithms are not available or were not evaluated, and the functional significance of this variant is currently unknown. In summary, the available evidence is currently insufficient to determine the role of this variant in disease. Therefore, it has been classified as a Variant of Uncertain Significance.